The following is an entry in ClinVar:

ClinVar aggregate classification (germline): Uncertain significance (1 of 4 stars; one submission).

Allele frequency attached by ClinVar (database versions not stated): gnomAD exomes 0.00001 and below 0.00001; TOPMed below 0.00001; gnomAD 0.00001.
gnomAD v4.1: 2 of 1,609,862 alleles (0.00012%); highest among the groups gnomAD compares: African/African-American, 0.0013%; no homozygotes.

Submission:

Labcorp Genetics (formerly Invitae), Labcorp
Classification: Uncertain significance. Last evaluated: 2025-06-12. Review status: criteria provided, single submitter. Criteria: Invitae Variant Classification Sherloc (09022015). Collection method: clinical testing. Allele origin: germline.
Comment: This sequence change replaces threonine, which is neutral and polar, with alanine, which is neutral and non-polar, at codon 523 of the ANLN protein (p.Thr523Ala). The frequency data for this variant in the population databases is considered unreliable, as metrics indicate poor data quality at this position in the gnomAD database. This variant has not been reported in the literature in individuals affected with ANLN-related conditions. ClinVar contains an entry for this variant (Variation ID: 1468339). Invitae Evidence Modeling of protein sequence and biophysical properties (such as structural, functional, and spatial information, amino acid conservation, physicochemical variation, residue mobility, and thermodynamic stability) indicates that this missense variant is not expected to disrupt ANLN protein function with a negative predictive value of 80%. In summary, the available evidence is currently insufficient to determine the role of this variant in disease. Therefore, it has been classified as a Variant of Uncertain Significance.

NM_018685.5(ANLN):c.1567A>G (p.Thr523Ala)

Gene: ANLN (anillin, actin binding protein; plus strand). Cytogenetic location: 7p14.2.
Variant type: single nucleotide variant.
Coding change: c.1567A>G on transcript NM_018685.5 (MANE Select); coding-DNA position 1567, A replaced by G.
Protein change: p.Thr523Ala; replaces threonine 523 with alanine.
Molecular consequence: missense variant. On other transcripts: intron variant (2).
Genome position (GRCh38, 1-based): chr7:36,417,124, A>G. VCF-style: chr7-36417124-A-G. GRCh37 (hg19) VCF-style: chr7-36456733-A-G.
Other names: c.1522+1240A>G (NM_001284301.3, NM_001284302.3); short protein forms T523A.
Identifiers: ClinVar variation 1468339 (VCV001468339.6), dbSNP rs936512648, ClinGen allele CA157083747.